The following is an entry in ClinVar:

NM_000784.4(CYP27A1):c.1477-3C>T

Gene: CYP27A1 (cytochrome P450 family 27 subfamily A member 1; plus strand). Cytogenetic location: 2q35.
Variant type: single nucleotide variant.
Coding change: c.1477-3C>T on transcript NM_000784.4 (MANE Select); 3 bases into the intron before coding-DNA position 1477, C replaced by T.
Molecular consequence: intron variant.
Genome position (GRCh38, 1-based): chr2:218,814,908, C>T. VCF-style: chr2-218814908-C-T. GRCh37 (hg19) VCF-style: chr2-219679631-C-T.
Identifiers: ClinVar variation 509776 (VCV000509776.5), dbSNP rs78938783, ClinGen allele CA2112922.

ClinVar aggregate classification (germline): Conflicting classifications of pathogenicity. Review status: criteria provided, conflicting classifications (1 of 4 stars). 3 submissions from 3 submitters: Uncertain significance (1); Likely benign (1). 1 of the submissions does not count toward it. Last evaluated 2022-09-07.

Conditions:
CYP27A1-related disorder. Also called: CYP27A1-related condition.
Cholestanol storage disease (CTX). Also called: CEREBRAL CHOLESTERINOSIS; Cerebrotendinous Xanthomatosis; CTX: Cerebrotendinous xanthomatosis. Identifiers: Orphanet 909, MedGen C0238052, MONDO:0008948, OMIM 213700.

Allele frequency attached by ClinVar (database versions not stated): TOPMed 0.00013.
gnomAD v4.1: 128 of 1,614,104 alleles (0.0079%); highest among the groups gnomAD compares: Admixed American, 0.017%; no homozygotes.

Submissions (3):

Labcorp Genetics (formerly Invitae), Labcorp
Classification: Uncertain significance for Cholestanol storage disease. Last evaluated: 2022-09-07. Review status: criteria provided, single submitter. Criteria: Invitae Variant Classification Sherloc (09022015). Collection method: clinical testing. Allele origin: germline.
Comment: This sequence change falls in intron 8 of the CYP27A1 gene. It does not directly change the encoded amino acid sequence of the CYP27A1 protein. It affects a nucleotide within the consensus splice site. This variant is present in population databases (rs78938783, gnomAD 0.009%). This variant has not been reported in the literature in individuals affected with CYP27A1-related conditions. ClinVar contains an entry for this variant (Variation ID: 509776). Variants that disrupt the consensus splice site are a relatively common cause of aberrant splicing (PMID: 17576681, 9536098). Algorithms developed to predict the effect of sequence changes on RNA splicing suggest that this variant is not likely to affect RNA splicing. In summary, the available evidence is currently insufficient to determine the role of this variant in disease. Therefore, it has been classified as a Variant of Uncertain Significance.

GeneDx
Classification: Likely benign. Last evaluated: 2017-05-23. Review status: criteria provided, single submitter. Criteria: GeneDx Variant Classification (06012015). Collection method: clinical testing. Allele origin: germline. Affected: yes.
Comment: This variant is considered likely benign or benign based on one or more of the following criteria: it is a conservative change, it occurs at a poorly conserved position in the protein, it is predicted to be benign by multiple in silico algorithms, and/or has population frequency not consistent with disease.

PreventionGenetics, part of Exact Sciences
Classification: Likely benign for CYP27A1-related condition. Last evaluated: 2019-08-08. Review status: no assertion criteria provided. Collection method: clinical testing. Allele origin: germline. Not counted in ClinVar's aggregate classification.
Comment: This variant is classified as likely benign based on ACMG/AMP sequence variant interpretation guidelines (Richards et al. 2015 PMID: 25741868, with internal and published modifications).

Literature cited by the submitters: PubMed 17576681 (cited by Labcorp Genetics (formerly Invitae), Labcorp); PubMed 9536098 (cited by Labcorp Genetics (formerly Invitae), Labcorp).